The following is an entry in ClinVar:

NM_022047.4(DEF6):c.995AGCGGGAGC[3] (p.Glu337_Arg338insGlnArgGlu)

Gene: DEF6 (DEF6 guanine nucleotide exchange factor; plus strand). Cytogenetic location: 6p21.31.
Variant type: Microsatellite.
Coding change: c.995AGCGGGAGC[3] on transcript NM_022047.4 (MANE Select); three copies in a row of the 9-base unit AGCGGGAGC starting at c.995; the reference has two copies in a row; one copy, 9 bases duplicated.
Protein change: p.Glu337_Arg338insGlnArgGlu.
Molecular consequence: inframe insertion.
Genome position (GRCh38, 1-based): chr6:35,318,260-35,318,268, AGCGGGAGC duplicated; duplicating any 9 consecutive bases within chr6:35,318,247-35,318,268 gives the same sequence; the position shown is the placement nearest the transcript's 3' end. VCF-style (leftmost placement, unchanged base first): chr6-35318246-C-CGAGCAGCGG. GRCh37 (hg19) VCF-style: chr6-35286023-C-CGAGCAGCGG.
Identifiers: ClinVar variation 1910317 (VCV001910317.4), dbSNP rs781078093, ClinGen allele CA137282904.
Genomic context (GRCh38, chr6:35,318,246, plus strand): 5'-GATCCGGCTGCAGGCCGAGGGGAAGACGTCCCTACACAAGGACCTGAAGCAGAAACGGCG[C>CGAGCAGCGG]GAGCAGCGGGAGCAGCGGGAGCGGCGCCGGGCGGCCAAGGAAGAGGAGCTGCTGCGGCTG-3'

ClinVar aggregate classification (germline): Uncertain significance (1 of 4 stars; one submission).

Submission:

Labcorp Genetics (formerly Invitae), Labcorp
Classification: Uncertain significance. Last evaluated: 2022-08-22. Review status: criteria provided, single submitter. Criteria: Invitae Variant Classification Sherloc (09022015). Collection method: clinical testing. Allele origin: germline.
Comment: In summary, the available evidence is currently insufficient to determine the role of this variant in disease. Therefore, it has been classified as a Variant of Uncertain Significance. This variant has not been reported in the literature in individuals affected with DEF6-related conditions. This variant is present in population databases (no rsID available, gnomAD 0.005%). This variant, c.1004_1012dup, results in the insertion of 3 amino acid(s) of the DEF6 protein (p.Gln335_Glu337dup), but otherwise preserves the integrity of the reading frame.